The following is an entry in ClinVar:

NM_000051.4(ATM):c.5303G>A (p.Arg1768Lys)

Gene: ATM (ATM serine/threonine kinase; plus strand). Cytogenetic location: 11q22.3.
Variant type: single nucleotide variant.
Coding change: c.5303G>A on transcript NM_000051.4 (MANE Select); coding-DNA position 5303, G replaced by A.
Protein change: p.Arg1768Lys; replaces arginine 1768 with lysine.
Molecular consequence: missense variant.
Genome position (GRCh38, 1-based): chr11:108,301,773, G>A. VCF-style: chr11-108301773-G-A. GRCh37 (hg19) VCF-style: chr11-108172500-G-A.
Other names: c.5303G>A, p.Arg1768Lys (NM_001351834.2); short protein forms R1768K.
Identifiers: ClinVar variation 924260 (VCV000924260.3), dbSNP rs2083445472, ClinGen allele CA382542760.
Genomic context (GRCh38, chr11:108,301,773, plus strand): 5'-GTTTCTGGGAGATTTATAAGATGACAACAGATCCAATGCTGGCCTATCTACAGCCTTTTA[G>A]AACATCAAGAAAAAAGGTCTCTTAAGTAATAAATGTTTATTGAATACCCAGCATATCTAA-3'
Protein context (NP_000042.3, residues 1758-1778): DPMLAYLQPF[Arg1768Lys]TSRKKFLEVP

ClinVar aggregate classification (germline): Uncertain significance (1 of 4 stars; one submission).

Conditions:
Hereditary cancer-predisposing syndrome. Also called: Neoplastic Syndromes, Hereditary; Tumor predisposition; Hereditary Cancer Syndrome; Hereditary neoplastic syndrome. Identifiers: Orphanet 140162, MedGen C0027672, MeSH D009386, MONDO:0015356.

Submission:

Color Diagnostics, LLC DBA Color Health
Classification: Uncertain significance for Hereditary cancer-predisposing syndrome. Last evaluated: 2020-04-13. Review status: criteria provided, single submitter. Criteria: ACMG Guidelines, 2015. Collection method: clinical testing. Allele origin: germline.
Comment: This missense variant replaces arginine with lysine at codon 1768 of the ATM protein. Computational prediction suggests that this variant may not impact protein structure and function (internally defined REVEL score threshold <= 0.5, PMID: 27666373). To our knowledge, functional studies have not been reported for this variant. This variant has not been reported in individuals affected with hereditary cancer in the literature. This variant has not been identified in the general population by the Genome Aggregation Database (gnomAD). The available evidence is insufficient to determine the role of this variant in disease conclusively. Therefore, this variant is classified as a Variant of Uncertain Significance.